The following is an entry in ClinVar:

NC_000011.9:g.(?_118359309)_(118359495_?)del

Gene: KMT2A (lysine methyltransferase 2A; plus strand). Cytogenetic location: 11q23.3.
Variant type: Deletion.
Identifiers: ClinVar variation 2423957 (VCV002423957.4).

ClinVar aggregate classification (germline): Pathogenic (1 of 4 stars; one submission).

Submission:

Labcorp Genetics (formerly Invitae), Labcorp
Classification: Pathogenic. Last evaluated: 2022-09-26. Review status: criteria provided, single submitter. Criteria: Invitae Variant Classification Sherloc (09022015). Collection method: clinical testing. Allele origin: germline.
Comment: For these reasons, this variant has been classified as Pathogenic. This variant disrupts a region of the KMT2A protein in which other variant(s) (p.Cys1448Arg) have been determined to be pathogenic (PMID: 24886118). This suggests that this is a clinically significant region of the protein, and that variants that disrupt it are likely to be disease-causing. This variant has not been reported in the literature in individuals affected with KMT2A-related conditions. This variant is a gross deletion of the genomic region encompassing exon(s) 11 of the KMT2A gene. This variant would be expected to be in-frame, preserving the integrity of the reading frame.

Literature cited by the submitters: PubMed 24886118.